The following is an entry in ClinVar:

ClinVar aggregate classification (germline): Uncertain significance (1 of 4 stars; one submission).

Allele frequency attached by ClinVar (database versions not stated): gnomAD exomes 0.00001; ExAC 0.00003; gnomAD 0.00003; 1000 Genomes Project 0.00020; 1000 Genomes Project 30x 0.00031.
gnomAD v4.1: 10 of 1,590,942 alleles (0.00063%); highest among the groups gnomAD compares: East Asian, 0.0046%; no homozygotes.

Submission:

GeneDx
Classification: Uncertain significance. Last evaluated: 2022-05-16. Review status: criteria provided, single submitter. Criteria: GeneDx Variant Classification Process June 2021. Collection method: clinical testing. Allele origin: germline. Affected: yes.
Comment: In silico analysis supports that this missense variant has a deleterious effect on protein structure/function; Has not been previously published as pathogenic or benign to our knowledge

NM_181783.4(TMTC3):c.1127G>A (p.Arg376Gln)

Gene: TMTC3 (transmembrane O-mannosyltransferase targeting cadherins 3; plus strand). Cytogenetic location: 12q21.32.
Variant type: single nucleotide variant.
Coding change: c.1127G>A on transcript NM_181783.4 (MANE Select); coding-DNA position 1127, G replaced by A.
Protein change: p.Arg376Gln; replaces arginine 376 with glutamine.
Molecular consequence: missense variant. On other transcripts: non-coding transcript variant (1).
Genome position (GRCh38, 1-based): chr12:88,172,673, G>A. VCF-style: chr12-88172673-G-A. GRCh37 (hg19) VCF-style: chr12-88566450-G-A.
Other names: c.947G>A, p.Arg316Gln (NM_001366574.1); c.908G>A, p.Arg303Gln (NM_001366579.1); c.860G>A, p.Arg287Gln (NM_001366580.1); c.434G>A, p.Arg145Gln (NM_001366583.1); short protein forms R145Q, R287Q, R303Q, R316Q, R376Q.
Identifiers: ClinVar variation 1800718 (VCV001800718.1), dbSNP rs199590664, ClinGen allele CA6713213.